The following is an entry in ClinVar:

ClinVar aggregate classification (germline): Benign (1 of 4 stars; one submission).

Allele frequency attached by ClinVar (database versions not stated): 1000 Genomes Project 30x 0.01765; 1000 Genomes Project 0.01777; TOPMed 0.02114.
gnomAD v4.1: 4,327 of 749,504 alleles (0.58%); highest among the groups gnomAD compares: African/African-American, 6.6%; 136 homozygotes.

Submission:

GeneDx
Classification: Benign. Last evaluated: 2018-06-14. Review status: criteria provided, single submitter. Criteria: GeneDx Variant Classification (06012015). Collection method: clinical testing. Allele origin: germline. Affected: yes.
Comment: This variant is considered likely benign or benign based on one or more of the following criteria: it is a conservative change, it occurs at a poorly conserved position in the protein, it is predicted to be benign by multiple in silico algorithms, and/or has population frequency not consistent with disease.

NM_002489.4(NDUFA4):c.43-120A>T

Gene: NDUFA4 (NDUFA4 mitochondrial complex associated; minus strand). Cytogenetic location: 7p21.3.
Variant type: single nucleotide variant.
Coding change: c.43-120A>T on transcript NM_002489.4 (MANE Select); 120 bases into the intron before coding-DNA position 43, A replaced by T.
Molecular consequence: intron variant.
Genome position (GRCh38, 1-based): chr7:10,939,016, T>A on the plus strand (A>T on the coding strand, the complement: NDUFA4 is on the minus strand). VCF-style: chr7-10939016-T-A. GRCh37 (hg19) VCF-style: chr7-10978643-T-A.
Identifiers: ClinVar variation 676940 (VCV000676940.1), dbSNP rs73678333, ClinGen allele CA153885288.